The following is an entry in ClinVar:

NM_001035.3(RYR2):c.14782A>C (p.Lys4928Gln)

Gene: RYR2 (ryanodine receptor 2; plus strand). Cytogenetic location: 1q43.
Variant type: single nucleotide variant.
Coding change: c.14782A>C on transcript NM_001035.3 (MANE Select); coding-DNA position 14782, A replaced by C.
Protein change: p.Lys4928Gln; replaces lysine 4928 with glutamine.
Molecular consequence: missense variant.
Genome position (GRCh38, 1-based): chr1:237,831,539, A>C. VCF-style: chr1-237831539-A-C. GRCh37 (hg19) VCF-style: chr1-237994839-A-C.
Other names: short protein forms K4928Q.
Identifiers: ClinVar variation 1339307 (VCV001339307.1), dbSNP rs2102956810, ClinGen allele CA345409931.

ClinVar aggregate classification (germline): Uncertain significance (1 of 4 stars; one submission).

Submission:

Phosphorus, Inc.
Classification: Uncertain significance. Last evaluated: 2022-01-18. Review status: criteria provided, single submitter. Criteria: ACMG Guidelines, 2015. Collection method: clinical testing. Allele origin: germline. Inheritance: Autosomal dominant inheritance.
Comment: This missense variant results in an amino acid substitution of Lysine with Glutamine at codon 4928 of the RYR2 gene (transcript: NM_001035.2). This variant does not an entry in ClinVar. This variant is very rare and has not occurred in population databases. This position is conserved. In silico functional algorithms predict this variant to be probably damaging (PolyPhen) and damaging (SIFT). However, no functional studies were performed to confirm either of those predictions. The variant has not occurred in the literature in association with disease. Considering that this is a rare variant and the available evidence is not enough to ascertain its role in disease, it has been classified as Variant of Uncertain Significance.